The following is an entry in ClinVar:

ClinVar aggregate classification (germline): Benign/Likely benign. Review status: criteria provided, multiple submitters, no conflicts (2 of 4 stars). 13 submissions from 12 submitters: Benign (9); Likely benign (1). 3 of the submissions do not count toward it. Last evaluated 2026-02-03.

Conditions:
Jeune thoracic dystrophy. Also called: Jeune syndrome; Infantile thoracic dystrophy; Thoracic pelvic phalangeal dystrophy; Jeune's syndrome; Chondroectodermal dysplasia-like syndrome; Short-rib thoracic dysplasia. Identifiers: Orphanet 474, MedGen C0265275, MONDO:0018770.
Nephronophthisis. Also called: Juvenile Nephronophthisis. Identifiers: Orphanet 655, MedGen C0687120, MONDO:0019005, HP:0000090.
Nephronophthisis 12 (NPHP12). Identifiers: Orphanet 655, MedGen C3151186, MONDO:0013442, OMIM 613820.
Asphyxiating thoracic dystrophy 4 (SRTD4). Also called: SHORT-RIB THORACIC DYSPLASIA 4 WITH OR WITHOUT POLYDACTYLY; SHORT-RIB THORACIC DYSPLASIA 4. Identifiers: Orphanet 474, MedGen C3151185, MONDO:0013441, OMIM 613819.
Connective tissue disorder. Also called: Connective tissue disease. Identifiers: MedGen C0009782, MONDO:0003900.

Allele frequency attached by ClinVar (database versions not stated): 1000 Genomes Project 30x 0.01593; 1000 Genomes Project 0.01677; ESP Exome Variant Server 0.02245; TOPMed 0.02252.
gnomAD v4.1: 54,390 of 1,614,034 alleles (3.4%); highest among the groups gnomAD compares: Non-Finnish European, 3.7%; 1,262 homozygotes.

Submissions (13):

Labcorp Genetics (formerly Invitae), Labcorp
Classification: Benign for Jeune thoracic dystrophy; Nephronophthisis. Last evaluated: 2026-02-03. Review status: criteria provided, single submitter. Criteria: Invitae Variant Classification Sherloc (09022015). Collection method: clinical testing. Allele origin: germline.

ARUP Laboratories, Molecular Genetics and Genomics, ARUP Laboratories
Classification: Benign. Last evaluated: 2024-12-31. Review status: criteria provided, single submitter. Criteria: ARUP Molecular Germline Variant Investigation Process 2024. Collection method: clinical testing. Allele origin: germline.

Blueprint Genetics
Classification: Likely benign. Last evaluated: 2024-11-26. Review status: criteria provided, single submitter. Criteria: ACMG Guidelines, 2015. Collection method: clinical testing. Allele origin: germline.

Mayo Clinic Laboratories, Mayo Clinic
Classification: Benign. Last evaluated: 2023-02-02. Review status: criteria provided, single submitter. Criteria: ACMG Guidelines, 2015. Collection method: clinical testing. Allele origin: germline. Observed: 11 variant alleles.

Genome Diagnostics Laboratory, The Hospital for Sick Children
Classification: Benign for Connective tissue disorder. Last evaluated: 2022-06-17. Review status: criteria provided, single submitter. Criteria: ACMG Guidelines, 2015. Collection method: clinical testing. Allele origin: germline.

Illumina Laboratory Services, Illumina
Classification: Benign for Asphyxiating thoracic dystrophy 4. Last evaluated: 2018-01-13. Review status: criteria provided, single submitter. Criteria: ICSL Variant Classification Criteria 13 December 2019. Collection method: clinical testing. Allele origin: germline.
Comment: This variant was observed in the ICSL laboratory as part of a predisposition screen in an ostensibly healthy population. It had not been previously curated by ICSL or reported in the Human Gene Mutation Database (HGMD: prior to June 1st, 2018), and was therefore a candidate for classification through an automated scoring system. Utilizing variant allele frequency, disease prevalence and penetrance estimates, and inheritance mode, an automated score was calculated to assess if this variant is too frequent to cause the disease. Based on the score and internal cut-off values, a variant classified as benign is not then subjected to further curation. The score for this variant resulted in a classification of benign for this disease.

Illumina Laboratory Services, Illumina
Classification: Benign for Nephronophthisis 12. Last evaluated: 2018-01-13. Review status: criteria provided, single submitter. Criteria: ICSL Variant Classification Criteria 13 December 2019. Collection method: clinical testing. Allele origin: germline.
Comment: the same text as in the submission from Illumina Laboratory Services, Illumina above.

GeneDx
Classification: Benign. Last evaluated: 2016-02-19. Review status: criteria provided, single submitter. Criteria: GeneDx Variant Classification (06012015). Collection method: clinical testing. Allele origin: germline. Affected: yes.
Comment: This variant is considered likely benign or benign based on one or more of the following criteria: it is a conservative change, it occurs at a poorly conserved position in the protein, it is predicted to be benign by multiple in silico algorithms, and/or has population frequency not consistent with disease.

Breakthrough Genomics
Classification: Benign. Review status: criteria provided, single submitter. Criteria: ACMG Guidelines, 2015. Collection method: not provided. Allele origin: germline. Inheritance: Autosomal recessive inheritance. Affected: yes.

PreventionGenetics, part of Exact Sciences
Classification: Benign. Review status: criteria provided, single submitter. Criteria: ACMG Guidelines, 2015. Collection method: clinical testing. Allele origin: germline.

Clinical Genetics DNA and cytogenetics Diagnostics Lab, Erasmus MC, Erasmus Medical Center
Classification: Likely benign. Review status: no assertion criteria provided. Collection method: clinical testing. Allele origin: germline. Affected: yes. Study: VKGL Data-share Consensus. Not counted in ClinVar's aggregate classification.

Genetic Services Laboratory, University of Chicago
Classification: Likely benign for AllHighlyPenetrant. Review status: no assertion criteria provided. Collection method: clinical testing. Allele origin: germline. Inheritance: Autosomal recessive inheritance. Not counted in ClinVar's aggregate classification.
Comment: Likely benign based on allele frequency in 1000 Genomes Project or ESP global frequency and its presence in a patient with a rare or unrelated disease phenotype. NOT Sanger confirmed.

Genome Diagnostics Laboratory, University Medical Center Utrecht
Classification: Benign. Review status: no assertion criteria provided. Collection method: clinical testing. Allele origin: germline. Affected: yes. Study: VKGL Data-share Consensus. Not counted in ClinVar's aggregate classification.

NM_024753.5(TTC21B):c.3519T>C (p.Thr1173=)

Gene: TTC21B (tetratricopeptide repeat domain 21B; minus strand). Cytogenetic location: 2q24.3.
Variant type: single nucleotide variant.
Coding change: c.3519T>C on transcript NM_024753.5 (MANE Select); coding-DNA position 3519, T replaced by C.
Protein change: p.Thr1173=; no amino-acid change (threonine 1173 retained).
Molecular consequence: synonymous variant.
Genome position (GRCh38, 1-based): chr2:165,883,959, A>G on the plus strand (T>C on the coding strand, the complement: TTC21B is on the minus strand). VCF-style: chr2-165883959-A-G. GRCh37 (hg19) VCF-style: chr2-166740469-A-G.
Other names: p.Thr1173=.
Identifiers: ClinVar variation 130655 (VCV000130655.40), dbSNP rs115504901, ClinGen allele CA155852.